The following is an entry in ClinVar:

ClinVar aggregate classification (germline): Uncertain significance. Review status: criteria provided, multiple submitters, no conflicts (2 of 4 stars). 2 submissions from 2 submitters: Uncertain significance (2). Last evaluated 2026-08-11.

Conditions:
FAM111A-related disorder. Also called: FAM111A-related condition.
Osteocraniostenosis (GCLEB). Also called: HABRODYSPLASIA; OSTEOCRANIOSPLENIC SYNDROME; Osteocraniostenosis (Gracile Bone Dysplasia). Identifiers: Orphanet 2763, MedGen C1865639, MONDO:0011215, OMIM 602361.

Submissions (2):

PreventionGenetics, part of Exact Sciences
Classification: Uncertain significance for FAM111A-related condition. Last evaluated: 2026-08-11. Review status: criteria provided, single submitter. Criteria: ACMG Guidelines, 2015. Collection method: clinical testing. Allele origin: germline.
Comment: The FAM111A c.1622C>T variant is predicted to result in the amino acid substitution p.Ser541Phe. To our knowledge, this variant has not been reported in the literature or in a large population database (gnomAD), indicating this variant is rare. Alternate missense changes at the same amino acid position (Ser541Pro, Ser541Tyr) have been reported in individuals with Kenny-Caffey syndrome (Cheng et al. 2021. PubMed ID: 33263187, Abraham et al. 2017. PubMed ID: 28138333). At this time, the clinical significance of the p.Ser541Phe variant is uncertain due to the absence of conclusive functional and genetic evidence.

Genesolutions, Medical Genetics Institutes, Ho Chi Minh City, Vietnam
Classification: Uncertain significance for Osteocraniostenosis. Last evaluated: 2025-09-24. Review status: criteria provided, single submitter. Criteria: ACMG Guidelines, 2015. Collection method: clinical testing. Allele origin: germline. Affected: yes.

NM_001312909.2(FAM111A):c.1622C>T (p.Ser541Phe)

Gene: FAM111A (FAM111 trypsin like peptidase A; plus strand). Cytogenetic location: 11q12.1.
Variant type: single nucleotide variant.
Coding change: c.1622C>T on transcript NM_001312909.2 (MANE Select); coding-DNA position 1622, C replaced by T.
Protein change: p.Ser541Phe; replaces serine 541 with phenylalanine.
Molecular consequence: missense variant.
Genome position (GRCh38, 1-based): chr11:59,153,290, C>T. VCF-style: chr11-59153290-C-T. GRCh37 (hg19) VCF-style: chr11-58920763-C-T.
Other names: c.1622C>T, p.Ser541Phe (NM_001369457.1, NM_001374804.1, NM_001374848.1 and 29 more transcripts); c.1622C>T (NM_022074.3); short protein forms S541F.
Identifiers: ClinVar variation 4277390 (VCV004277390.2).